The following is an entry in ClinVar:

ClinVar aggregate classification (germline): Uncertain significance (1 of 4 stars; one submission).

Conditions:
DK1-congenital disorder of glycosylation. Also called: DK1 DEFICIENCY; DOLICHOL KINASE DEFICIENCY; DK1-CDG; DOLK-congenital disorder of glycosylation; Carbohydrate deficient glycoprotein syndrome type 1m; CONGENITAL DISORDER OF GLYCOSYLATION, TYPE Im. Identifiers: Orphanet 91131, MedGen C1835849, MONDO:0012556, OMIM 610768.

Allele frequency attached by ClinVar (database versions not stated): gnomAD exomes below 0.00001.
gnomAD v4.1: 2 of 1,613,008 alleles (0.00012%); highest among the groups gnomAD compares: East Asian, 0.0022%; no homozygotes.

Submission:

Labcorp Genetics (formerly Invitae), Labcorp
Classification: Uncertain significance for DK1-congenital disorder of glycosylation. Last evaluated: 2021-12-02. Review status: criteria provided, single submitter. Criteria: Invitae Variant Classification Sherloc (09022015). Collection method: clinical testing. Allele origin: germline.
Comment: This variant has not been reported in the literature in individuals affected with DOLK-related conditions. In summary, the available evidence is currently insufficient to determine the role of this variant in disease. Therefore, it has been classified as a Variant of Uncertain Significance. Algorithms developed to predict the effect of missense changes on protein structure and function (SIFT, PolyPhen-2, Align-GVGD) all suggest that this variant is likely to be tolerated. This variant is not present in population databases (gnomAD no frequency). This sequence change replaces alanine, which is neutral and non-polar, with threonine, which is neutral and polar, at codon 36 of the DOLK protein (p.Ala36Thr).

NM_014908.4(DOLK):c.106G>A (p.Ala36Thr)

Gene: DOLK (dolichol kinase; minus strand). Cytogenetic location: 9q34.11.
Variant type: single nucleotide variant.
Coding change: c.106G>A on transcript NM_014908.4 (MANE Select); coding-DNA position 106, G replaced by A.
Protein change: p.Ala36Thr; replaces alanine 36 with threonine.
Molecular consequence: missense variant.
Genome position (GRCh38, 1-based): chr9:128,947,198, C>T on the plus strand (G>A on the coding strand, the complement: DOLK is on the minus strand). VCF-style: chr9-128947198-C-T. GRCh37 (hg19) VCF-style: chr9-131709477-C-T.
Other names: short protein forms A36T.
Identifiers: ClinVar variation 1395009 (VCV001395009.6), dbSNP rs1841688809, ClinGen allele CA375128438.